The following is an entry in ClinVar:

NM_000479.5(AMH):c.1016T>C (p.Leu339Pro)

Gene: AMH (anti-Mullerian hormone; plus strand). Cytogenetic location: 19p13.3.
Variant type: single nucleotide variant.
Coding change: c.1016T>C on transcript NM_000479.5 (MANE Select); coding-DNA position 1016, T replaced by C.
Protein change: p.Leu339Pro; replaces leucine 339 with proline.
Molecular consequence: missense variant.
Genome position (GRCh38, 1-based): chr19:2,251,290, T>C. VCF-style: chr19-2251290-T-C. GRCh37 (hg19) VCF-style: chr19-2251289-T-C.
Other names: short protein forms L339P.
Identifiers: ClinVar variation 1351018 (VCV001351018.9), dbSNP rs1012178126, ClinGen allele CA304213958.

ClinVar aggregate classification (germline): Conflicting classifications of pathogenicity. Review status: criteria provided, conflicting classifications (1 of 4 stars). 3 submissions from 3 submitters: Likely pathogenic (2); Uncertain significance (1). Last evaluated 2025-12-26.

Conditions:
Persistent Mullerian duct syndrome (PMDS). Also called: PERSISTENT OVIDUCT SYNDROME; PSEUDOHERMAPHRODITISM, MALE INTERNAL; PERSISTENT MULLERIAN DUCT SYNDROME, TYPES I AND II; FEMALE GENITAL DUCTS IN OTHERWISE NORMAL MALE; HERNIA UTERI INGUINALE. Identifiers: Orphanet 2856, MedGen C1849930, MONDO:0009857, OMIM 261550.
Cohen syndrome (COH1). Also called: PEPPER SYNDROME; Cutis verticis gyrata, retinitis pigmentosa, and sensorineural deafness. Identifiers: Orphanet 193, MedGen C0265223, MONDO:0008999, OMIM 216550.

Allele frequency attached by ClinVar (database versions not stated): gnomAD 0.00006 and 0.00007; TOPMed 0.00006; gnomAD exomes 0.00004 and 0.00002.

Submissions (3):

First Genomix Gene Laboratory, Genetic Diagnostics Department
Classification: Likely pathogenic for Cohen syndrome. Last evaluated: 2025-12-26. Review status: criteria provided, single submitter. Criteria: ACMG Guidelines, 2015. Collection method: clinical testing. Allele origin: germline. Inheritance: Autosomal recessive inheritance. Affected: no. Observed: 1 variant allele.

Dasa
Classification: Uncertain significance for Persistent Mullerian duct syndrome. Last evaluated: 2025-12-09. Review status: criteria provided, single submitter. Criteria: DASA Assertion Criteria. Collection method: clinical testing. Allele origin: germline.
Comment: NM_000479.5(AMH):c.1016T>C (p.Leu339Pro) is a missense variant that results in the substitution of leucine with proline. This variant has been reported in individuals with AMH-related disorders (PMID: 36629155). Also, this variant is rare in population databases. Computational prediction algorithms are consistent with a deleterious effect. The currently available literature and clinical evidence are not sufficient to establish a definitive association between this variant and the reported condition. Therefore, this variant is classified as a variant of uncertain significance.

Labcorp Genetics (formerly Invitae), Labcorp
Classification: Likely pathogenic. Last evaluated: 2024-08-15. Review status: criteria provided, single submitter. Criteria: Invitae Variant Classification Sherloc (09022015). Collection method: clinical testing. Allele origin: germline.
Comment: This sequence change replaces leucine, which is neutral and non-polar, with proline, which is neutral and non-polar, at codon 339 of the AMH protein (p.Leu339Pro). The frequency data for this variant in the population databases is considered unreliable, as metrics indicate poor data quality at this position in the gnomAD database. This missense change has been observed in individual(s) with persistent Müllerian duct syndrome (PMID: 28528332; Invitae). In at least one individual the data is consistent with being in trans (on the opposite chromosome) from a pathogenic variant. ClinVar contains an entry for this variant (Variation ID: 1351018). An algorithm developed to predict the effect of missense changes on protein structure and function (PolyPhen-2) suggests that this variant is likely to be disruptive. In summary, the currently available evidence indicates that the variant is pathogenic, but additional data are needed to prove that conclusively. Therefore, this variant has been classified as Likely Pathogenic.

Literature cited by the submitters: PubMed 36629155 (cited by Dasa); PubMed 28528332 (cited by Labcorp Genetics (formerly Invitae), Labcorp).